The following is an entry in ClinVar:

NM_012186.3(FOXE3):c.105C>A (p.Ala35=)

Genes: FOXE3 (forkhead box E3; plus strand), LINC01389 (long intergenic non-protein coding RNA 1389; minus strand). Cytogenetic location: 1p33.
Variant type: single nucleotide variant.
Coding change: c.105C>A on transcript NM_012186.3 (MANE Select); coding-DNA position 105, C replaced by A.
Protein change: p.Ala35=; no amino-acid change (alanine 35 retained).
Molecular consequence: synonymous variant.
Genome position (GRCh38, 1-based): chr1:47,416,420, C>A. VCF-style: chr1-47416420-C-A. GRCh37 (hg19) VCF-style: chr1-47882092-C-A.
Identifiers: ClinVar variation 3061123 (VCV003061123.2), dbSNP rs1646882637, ClinGen allele CA417891953.

ClinVar aggregate classification (germline): Likely benign (0 of 4 stars; one submission).

Conditions:
FOXE3-related disorder. Also called: FOXE3-related condition.

gnomAD v4.1: 1 of 1,221,518 alleles (0.000082%); highest among the groups gnomAD compares: South Asian, 0.0028%; no homozygotes.

Submission:

PreventionGenetics, part of Exact Sciences
Classification: Likely benign for FOXE3-related condition. Last evaluated: 2024-02-26. Review status: no assertion criteria provided. Collection method: clinical testing. Allele origin: germline.
Comment: This variant is classified as likely benign based on ACMG/AMP sequence variant interpretation guidelines (Richards et al. 2015 PMID: 25741868, with internal and published modifications).